The following is an entry in ClinVar:

NM_001008537.3(NEXMIF):c.2096C>A (p.Ser699Ter)

Gene: NEXMIF (neurite extension and migration factor; minus strand). Cytogenetic location: Xq13.3.
Variant type: single nucleotide variant.
Coding change: c.2096C>A on transcript NM_001008537.3 (MANE Select); coding-DNA position 2096, C replaced by A.
Protein change: p.Ser699Ter; replaces serine 699 with a stop codon.
Molecular consequence: nonsense.
Genome position (GRCh38, 1-based): chrX:74,742,461, G>T on the plus strand (C>A on the coding strand, the complement: NEXMIF is on the minus strand). VCF-style: chrX-74742461-G-T. GRCh37 (hg19) VCF-style: chrX-73962296-G-T.
Other names: short protein forms S699*.
Identifiers: ClinVar variation 3637957 (VCV003637957.2).

ClinVar aggregate classification (germline): Pathogenic (1 of 4 stars; one submission).

Submission:

Labcorp Genetics (formerly Invitae), Labcorp
Classification: Pathogenic. Last evaluated: 2024-02-02. Review status: criteria provided, single submitter. Criteria: Invitae Variant Classification Sherloc (09022015). Collection method: clinical testing. Allele origin: germline.
Comment: This sequence change creates a premature translational stop signal (p.Ser699*) in the NEXMIF gene. It is expected to result in an absent or disrupted protein product. Loss-of-function variants in NEXMIF are known to be pathogenic (PMID: 23615299). This variant is not present in population databases (gnomAD no frequency). This variant has not been reported in the literature in individuals affected with NEXMIF-related conditions. For these reasons, this variant has been classified as Pathogenic.

Literature cited by the submitters: PubMed 23615299.